The following is an entry in ClinVar:

NM_015346.4(ZFYVE26):c.686C>A (p.Ala229Glu)

Gene: ZFYVE26 (zinc finger FYVE-type containing 26; minus strand). Cytogenetic location: 14q24.1.
Variant type: single nucleotide variant.
Coding change: c.686C>A on transcript NM_015346.4 (MANE Select); coding-DNA position 686, C replaced by A.
Protein change: p.Ala229Glu; replaces alanine 229 with glutamic acid.
Molecular consequence: missense variant.
Genome position (GRCh38, 1-based): chr14:67,807,598, G>T on the plus strand (C>A on the coding strand, the complement: ZFYVE26 is on the minus strand). VCF-style: chr14-67807598-G-T. GRCh37 (hg19) VCF-style: chr14-68274315-G-T.
Other names: short protein forms A229E.
Identifiers: ClinVar variation 130784 (VCV000130784.8), dbSNP rs199969454, ClinGen allele CA231662.

ClinVar aggregate classification (germline): Uncertain significance. Review status: criteria provided, multiple submitters, no conflicts (2 of 4 stars). 2 submissions from 2 submitters: Uncertain significance (2). Last evaluated 2024-11-11.

Conditions:
Spastic paraplegia. Identifiers: MedGen C0037772, HP:0001258.

Allele frequency attached by ClinVar (database versions not stated): gnomAD 0.00001; TOPMed 0.00002; gnomAD exomes 0.00003; ExAC 0.00004; ESP Exome Variant Server 0.00008.
gnomAD v4.1: 39 of 1,614,104 alleles (0.0024%); highest among the groups gnomAD compares: Middle Eastern, 0.016%; no homozygotes.

Submissions (2):

Labcorp Genetics (formerly Invitae), Labcorp
Classification: Uncertain significance for Spastic paraplegia. Last evaluated: 2024-11-11. Review status: criteria provided, single submitter. Criteria: Invitae Variant Classification Sherloc (09022015). Collection method: clinical testing. Allele origin: germline.
Comment: This sequence change replaces alanine, which is neutral and non-polar, with glutamic acid, which is acidic and polar, at codon 229 of the ZFYVE26 protein (p.Ala229Glu). This variant is present in population databases (rs199969454, gnomAD 0.01%). This variant has not been reported in the literature in individuals affected with ZFYVE26-related conditions. ClinVar contains an entry for this variant (Variation ID: 130784). An algorithm developed to predict the effect of missense changes on protein structure and function (PolyPhen-2) suggests that this variant¬†is likely to be tolerated. In summary, the available evidence is currently insufficient to determine the role of this variant in disease. Therefore, it has been classified as a Variant of Uncertain Significance.

Genetic Services Laboratory, University of Chicago
Classification: Uncertain significance. Last evaluated: 2014-03-06. Review status: criteria provided, single submitter. Criteria: ACMG Guidelines, 2007. Collection method: clinical testing. Allele origin: germline. Inheritance: Autosomal recessive inheritance.